The following is an entry in ClinVar:

NM_000384.3(APOB):c.10171dup (p.Arg3391fs)

Gene: APOB (apolipoprotein B; minus strand). Cytogenetic location: 2p24.1.
Variant type: Duplication.
Coding change: c.10171dup on transcript NM_000384.3 (MANE Select); coding-DNA position 10171, one base duplicated (A; older notation c.10171dupA).
Protein change: p.Arg3391fs; shifts the reading frame from arginine 3391.
Molecular consequence: frameshift variant.
Genome position (GRCh38, 1-based): chr2:21,006,697, T duplicated on the plus strand (A on the coding strand, the reverse complement: APOB is on the minus strand); the first of 5 consecutive T bases (chr2:21,006,697-21,006,701); duplicating any one gives the same sequence. VCF-style (leftmost placement, unchanged base first): chr2-21006696-C-CT. GRCh37 (hg19) VCF-style: chr2-21229568-C-CT.
Other names: short protein forms R3391fs.
Identifiers: ClinVar variation 4785641 (VCV004785641.1).

ClinVar aggregate classification (germline): Pathogenic (1 of 4 stars; one submission).

Conditions:
Familial hypobetalipoproteinemia 1. Also called: APOB-Related Familial Hypobetalipoproteinemia; Hypobetalipoproteinemia, normotriglyceridemic; Acanthocytosis with hypobetalipoproteinemia. Identifiers: MedGen C4551990, MONDO:0014252, OMIM 615558.
Hypercholesterolemia, autosomal dominant, type B (FHCL2). Also called: APOB-Related Familial Hypercholesterolemia, Autosomal Dominant; Familial hypercholesterolemia 2; Familial Hypercholesterolemia Type B; APOLIPOPROTEIN B-100, FAMILIAL DEFECTIVE; APOLIPOPROTEIN B-100, FAMILIAL LIGAND-DEFECTIVE; HYPERCHOLESTEROLEMIA, FAMILIAL, DUE TO LIGAND-DEFECTIVE APOLIPOPROTEIN B. Identifiers: MedGen C1704417, MONDO:0007751, OMIM 144010.

Submission:

Labcorp Genetics (formerly Invitae), Labcorp
Classification: Pathogenic for Familial hypobetalipoproteinemia 1; Hypercholesterolemia, autosomal dominant, type B. Last evaluated: 2025-07-22. Review status: criteria provided, single submitter. Criteria: Invitae Variant Classification Sherloc (09022015). Collection method: clinical testing. Allele origin: germline.
Comment: This sequence change creates a premature translational stop signal (p.Arg3391Lysfs*19) in the APOB gene. It is expected to result in an absent or disrupted protein product. Loss-of-function variants in APOB are known to be pathogenic (PMID: 20032471). This variant is not present in population databases (gnomAD no frequency). This variant has not been reported in the literature in individuals affected with APOB-related conditions. For these reasons, this variant has been classified as Pathogenic.

Literature cited by the submitters: PubMed 20032471.